The following is an entry in ClinVar:

NM_006648.4(WNK2):c.4943C>T (p.Ser1648Leu)

Gene: WNK2 (WNK lysine deficient protein kinase 2; plus strand). Cytogenetic location: 9q22.31.
Variant type: single nucleotide variant.
Coding change: c.4943C>T on transcript NM_006648.4 (MANE Select); coding-DNA position 4943, C replaced by T.
Protein change: p.Ser1648Leu; replaces serine 1648 with leucine.
Molecular consequence: missense variant.
Genome position (GRCh38, 1-based): chr9:93,292,314, C>T. VCF-style: chr9-93292314-C-T. GRCh37 (hg19) VCF-style: chr9-96054596-C-T.
Other names: c.5054C>T, p.Ser1685Leu (NM_001282394.3); short protein forms S1685L, S1648L.
Identifiers: ClinVar variation 4842148 (VCV004842148.1).

ClinVar aggregate classification (germline): Uncertain significance (1 of 4 stars; one submission).

gnomAD v4.1: 2 of 1,613,880 alleles (0.00012%); highest among the groups gnomAD compares: Non-Finnish European, 0.00017%; no homozygotes.

Submission:

Ambry Genetics
Classification: Uncertain significance. Last evaluated: 2026-01-14. Review status: criteria provided, single submitter. Criteria: Ambry Variant Classification Scheme 2023. Collection method: clinical testing. Allele origin: germline.
Comment: The p.S1648L variant (also known as c.4943C>T), located in coding exon 21 of the WNK2 gene, results from a C to T substitution at nucleotide position 4943. The serine at codon 1648 is replaced by leucine, an amino acid with dissimilar properties. This amino acid position is conserved. In addition, this alteration is predicted to be tolerated by in silico analysis. Based on the available evidence, the clinical significance of this variant remains unclear.